The following is an entry in ClinVar:

NM_006517.5(SLC16A2):c.1111C>T (p.Arg371Cys)

Gene: SLC16A2 (solute carrier family 16 member 2; plus strand). Cytogenetic location: Xq13.2.
Variant type: single nucleotide variant.
Coding change: c.1111C>T on transcript NM_006517.5 (MANE Select); coding-DNA position 1111, C replaced by T.
Protein change: p.Arg371Cys; replaces arginine 371 with cysteine.
Molecular consequence: missense variant.
Genome position (GRCh38, 1-based): chrX:74,525,834, C>T. VCF-style: chrX-74525834-C-T. GRCh37 (hg19) VCF-style: chrX-73745669-C-T.
Other names: NM_006517.4(SLC16A2):c.1111C>T(p.Arg371Cys); short protein forms R371C.
Identifiers: ClinVar variation 159902 (VCV000159902.23), dbSNP rs587784384, ClinGen allele CA272490.

ClinVar aggregate classification (germline): Pathogenic/Likely pathogenic. Review status: criteria provided, multiple submitters, no conflicts (2 of 4 stars). 8 submissions from 8 submitters: Pathogenic (5); Likely pathogenic (3). Last evaluated 2023-08-30.

Conditions:
SLC16A2-related disorder. Also called: SLC16A2-related condition.
Inborn genetic diseases. Identifiers: MedGen C0950123, MeSH D030342.
Spastic paraplegia. Identifiers: MedGen C0037772, HP:0001258.
Hereditary spastic paraplegia. Also called: Familial spastic paraparesis. Identifiers: Orphanet 685, MedGen C0037773, MONDO:0019064. Disease mechanism: loss of function.
Allan-Herndon-Dudley syndrome (AHDS). Also called: MENTAL RETARDATION AND MUSCULAR ATROPHY; T3 RESISTANCE; TRIIODOTHYRONINE RESISTANCE; Passos-Bueno syndrome; ALLAN-HERNDON SYNDROME. Identifiers: Orphanet 59, MedGen C0795889, MONDO:0010354, OMIM 300523.

Submissions (8):

3billion
Classification: Pathogenic for Allan-Herndon-Dudley syndrome. Last evaluated: 2023-08-30. Review status: criteria provided, single submitter. Criteria: ACMG Guidelines, 2015. Collection method: clinical testing. Allele origin: germline. Affected: yes.
Comment: The variant is not observed in the gnomAD v2.1.1 dataset. Predicted Consequence/Location: Missense variant Functional studies provide strong evidence of the variant having a damaging effect on the gene or gene product (PMID: 23568789, 24265446, 25527620). In silico tool predictions suggest damaging effect of the variant on gene or gene product [REVEL: 0.64 (>=0.6, sensitivity 0.68 and specificity 0.92); 3Cnet: 0.92 (>=0.6, sensitivity 0.72 and precision 0.9)]. Same nucleotide change resulting in same amino acid change has been previously reported as pathogenic/likely pathogenic with strong evidence (ClinVar ID: VCV000159902 /PMID: 23568789). Different missense changes at the same codon (p.Arg371His, p.Arg371Leu, p.Arg371Ser) have been reported to be associated with SLC16A2 related disorder (ClinVar ID: VCV001329726 /PMID: 27212794, 35599849). Therefore, this variant is classified as Pathogenic according to the recommendation of ACMG/AMP guideline.

Blueprint Genetics
Classification: Pathogenic for SLC16A2-related disorders. Last evaluated: 2020-10-06. Review status: criteria provided, single submitter. Criteria: ACMG Guidelines, 2015. Collection method: clinical testing. Allele origin: germline. Affected: yes. Observed: 1 variant allele.

Labcorp Genetics (formerly Invitae), Labcorp
Classification: Pathogenic for Spastic paraplegia. Last evaluated: 2019-07-12. Review status: criteria provided, single submitter. Criteria: Invitae Variant Classification Sherloc (09022015). Collection method: clinical testing. Allele origin: germline.
Comment: This sequence change replaces arginine with cysteine at codon 371 of the SLC16A2 protein (p.Arg371Cys). The arginine residue is highly conserved and there is a large physicochemical difference between arginine and cysteine. This variant is not present in population databases (ExAC no frequency). This variant has been observed in individuals and families affected with clinical features of Allan-Herndon-Dudley syndrome (AHDS) (PMID: 23568789, 24721225). This variant is also known as c.1333C>T, p.Arg445Cys in the literature. ClinVar contains an entry for this variant (Variation ID: 159902). This variant has been reported to affect SLC16A2 protein function (PMID: 23568789, 24265446, 25527620). This variant disrupts the p.Arg371 amino acid residue in SLC16A2. Other variant(s) that disrupt this residue have been observed in individuals with SLC16A2-related conditions (PMID: 27212794), which suggests that this may be a clinically significant amino acid residue. For these reasons, this variant has been classified as Pathogenic.

SIB Swiss Institute of Bioinformatics
Classification: Likely pathogenic for Allan-Herndon-Dudley syndrome. Last evaluated: 2018-05-31. Review status: criteria provided, single submitter. Criteria: ACMG Guidelines, 2015. Collection method: curation. Allele origin: unknown.
Comment: This variant is interpreted as a Likely Pathogenic, for Allan-Herndon-Dudley syndrome, in X-linked recessive manner. The following ACMG Tag(s) were applied: PM2 => Absent from controls (or at extremely low frequency if recessive) in Exome Sequencing Project, 1000 Genomes Project, or Exome Aggregation Consortium. PP1 => Cosegregation with disease in multiple affected family members in a gene definitively known to cause the disease (PMID:24721225). PP3 => Multiple lines of computational evidence support a deleterious effect on the gene or gene product. PS3-Moderate => Functional studies show a deleterious effect. (PMID:24265446,25527620).

Ambry Genetics
Classification: Pathogenic for Inborn genetic diseases. Last evaluated: 2017-08-03. Review status: criteria provided, single submitter. Criteria: Ambry exome assertion method (8-5-2015). Collection method: clinical testing. Allele origin: germline. Affected: yes. Observed: 2 variant alleles.

Genome Diagnostics Laboratory, The Hospital for Sick Children
Classification: Likely pathogenic for Hereditary spastic paraplegia. Last evaluated: 2017-07-06. Review status: criteria provided, single submitter. Criteria: ACMG Guidelines, 2015. Collection method: clinical testing. Allele origin: germline. Affected: yes.

Center for Pediatric Genomic Medicine, Children's Mercy Hospital and Clinics
Classification: Pathogenic. Last evaluated: 2014-05-19. Review status: criteria provided, single submitter. Criteria: ACMG Guidelines, 2015. Collection method: clinical testing. Allele origin: germline.

Genetic Services Laboratory, University of Chicago
Classification: Likely pathogenic for Allan-Herndon-Dudley syndrome. Last evaluated: 2013-02-08. Review status: criteria provided, single submitter. Criteria: ACMG Guidelines, 2007. Collection method: clinical testing. Allele origin: germline. Inheritance: X-linked inheritance. Affected: yes.

Literature cited by the submitters: PubMed 23568789 (cited by 3 submitters); PubMed 25527620 (cited by 4 submitters); PubMed 24265446 (cited by 4 submitters); PubMed 27212794 (cited by 3 submitters); PubMed 24721225 (cited by 3 submitters).